The following is an entry in ClinVar:

NM_001080421.3(UNC13A):c.1071C>A (p.Ser357Arg)

Gene: UNC13A (unc-13 homolog A; minus strand). Cytogenetic location: 19p13.11.
Variant type: single nucleotide variant.
Coding change: c.1071C>A on transcript NM_001080421.3 (MANE Select); coding-DNA position 1071, C replaced by A.
Protein change: p.Ser357Arg; replaces serine 357 with arginine.
Molecular consequence: missense variant.
Genome position (GRCh38, 1-based): chr19:17,656,095, G>T on the plus strand (C>A on the coding strand, the complement: UNC13A is on the minus strand). VCF-style: chr19-17656095-G-T. GRCh37 (hg19) VCF-style: chr19-17766904-G-T.
Other names: c.1071C>A, p.Ser357Arg (NM_001387021.1, NM_001387022.1, NM_001387023.1); short protein forms S357R.
Identifiers: ClinVar variation 3352892 (VCV003352892.2).

ClinVar aggregate classification (germline): Uncertain significance (1 of 4 stars; one submission).

Conditions:
UNC13A-related disorder. Also called: UNC13A-related condition.

gnomAD v4.1: 188 of 1,552,886 alleles (0.012%); highest among the groups gnomAD compares: Middle Eastern, 0.1%; 1 homozygote.

Submission:

PreventionGenetics, part of Exact Sciences
Classification: Uncertain significance for UNC13A-related condition. Last evaluated: 2025-01-09. Review status: criteria provided, single submitter. Criteria: ACMG Guidelines, 2015. Collection method: clinical testing. Allele origin: germline.
Comment: The UNC13A c.1071C>A variant is predicted to result in the amino acid substitution p.Ser357Arg. To our knowledge, this variant has not been reported in the literature. This variant is reported in 0.024% of alleles in individuals of European (non-Finnish) descent, including one homozygote, in gnomAD. In gnomAD v4 (available only on GRCh38), this variant is reported in 0.1% of alleles in a Middle Eastern subpopulation. This population data is not consistent with this variant being a primary cause of disease. Although we suspect this variant is benign, at this time, the clinical significance of this variant is uncertain due to the absence of conclusive functional and genetic evidence.